The following is an entry in ClinVar:

NM_000245.4(MET):c.2546T>C (p.Met849Thr)

Gene: MET (MET proto-oncogene, receptor tyrosine kinase; plus strand). Cytogenetic location: 7q31.2.
Variant type: single nucleotide variant.
Coding change: c.2546T>C on transcript NM_000245.4 (MANE Select); coding-DNA position 2546, T replaced by C.
Protein change: p.Met849Thr; replaces methionine 849 with threonine.
Molecular consequence: missense variant.
Genome position (GRCh38, 1-based): chr7:116,763,231, T>C. VCF-style: chr7-116763231-T-C. GRCh37 (hg19) VCF-style: chr7-116403285-T-C.
Other names: c.2600T>C, p.Met867Thr (NM_001127500.3); c.2546T>C, p.Met849Thr (NM_001324401.3); c.1256T>C, p.Met419Thr (NM_001324402.2); short protein forms M867T, M419T, M849T.
Identifiers: ClinVar variation 4647911 (VCV004647911.1).

ClinVar aggregate classification (germline): Uncertain significance (1 of 4 stars; one submission).

Conditions:
Hereditary cancer-predisposing syndrome. Also called: Neoplastic Syndromes, Hereditary; Tumor predisposition; Hereditary Cancer Syndrome; Hereditary neoplastic syndrome. Identifiers: Orphanet 140162, MedGen C0027672, MeSH D009386, MONDO:0015356.

Submission:

Ambry Genetics
Classification: Uncertain significance for Hereditary cancer-predisposing syndrome. Last evaluated: 2025-10-26. Review status: criteria provided, single submitter. Criteria: Ambry Variant Classification Scheme 2023. Collection method: clinical testing. Allele origin: germline.
Comment: The p.M867T variant (also known as c.2600T>C), located in coding exon 10 of the MET gene, results from a T to C substitution at nucleotide position 2600. The methionine at codon 867 is replaced by threonine, an amino acid with similar properties. This amino acid position is conserved. In addition, this alteration is predicted to be tolerated by in silico analysis. Based on the available evidence, the clinical significance of this variant remains unclear.